The following is an entry in ClinVar:

ClinVar aggregate classification (germline): Benign. Review status: criteria provided, multiple submitters, no conflicts (2 of 4 stars). 2 submissions from 2 submitters: Benign (2). Last evaluated 2018-06-18.

Allele frequency attached by ClinVar (database versions not stated): 1000 Genomes Project 0.02496; gnomAD 0.02655; 1000 Genomes Project 30x 0.02670; TOPMed 0.03171.
gnomAD v4.1: 4,128 of 152,234 alleles (2.7%); highest among the groups gnomAD compares: African/African-American, 9.4%; 188 homozygotes.

Submissions (2):

GeneDx
Classification: Benign. Last evaluated: 2018-06-18. Review status: criteria provided, single submitter. Criteria: GeneDx Variant Classification (06012015). Collection method: clinical testing. Allele origin: germline. Affected: yes.
Comment: This variant is considered likely benign or benign based on one or more of the following criteria: it is a conservative change, it occurs at a poorly conserved position in the protein, it is predicted to be benign by multiple in silico algorithms, and/or has population frequency not consistent with disease.

Breakthrough Genomics
Classification: Benign. Review status: criteria provided, single submitter. Criteria: ACMG Guidelines, 2015. Collection method: not provided. Allele origin: germline. Inheritance: Autosomal dominant inheritance. Affected: yes.

NM_000465.4(BARD1):c.1811-242T>C

Gene: BARD1 (BRCA1 associated RING domain 1; minus strand). Cytogenetic location: 2q35.
Variant type: single nucleotide variant.
Coding change: c.1811-242T>C on transcript NM_000465.4 (MANE Select); 242 bases into the intron before coding-DNA position 1811, T replaced by C.
Molecular consequence: intron variant.
Genome position (GRCh38, 1-based): chr2:214,745,401, A>G on the plus strand (T>C on the coding strand, the complement: BARD1 is on the minus strand). VCF-style: chr2-214745401-A-G. GRCh37 (hg19) VCF-style: chr2-215610125-A-G.
Other names: c.401-242T>C (NM_001282548.2); c.1754-242T>C (NM_001282543.2); c.458-242T>C (NM_001282545.2); c.365-14893T>C (NM_001282549.2).
Identifiers: ClinVar variation 679747 (VCV000679747.2), dbSNP rs74528217, ClinGen allele CA64802552.